The following is an entry in ClinVar:

ClinVar aggregate classification (germline): Pathogenic (1 of 4 stars; one submission).

Conditions:
Autosomal recessive polycystic kidney disease (ARPKD). Also called: AR polycystic kidney disease. Identifiers: Orphanet 731, Orphanet 8378, MedGen C0085548, MeSH D017044, MONDO:0009889.

Submission:

Labcorp Genetics (formerly Invitae), Labcorp
Classification: Pathogenic for Autosomal recessive polycystic kidney disease. Last evaluated: 2023-08-23. Review status: criteria provided, single submitter. Criteria: Invitae Variant Classification Sherloc (09022015). Collection method: clinical testing. Allele origin: germline.
Comment: This sequence change creates a premature translational stop signal (p.Gln3941*) in the PKHD1 gene. While this is not anticipated to result in nonsense mediated decay, it is expected to disrupt the last 134 amino acid(s) of the PKHD1 protein. This variant is not present in population databases (gnomAD no frequency). This variant has not been reported in the literature in individuals affected with PKHD1-related conditions. This variant disrupts a region of the PKHD1 protein in which other variant(s) (p.Arg3961*) have been determined to be pathogenic (Invitae). This suggests that this is a clinically significant region of the protein, and that variants that disrupt it are likely to be disease-causing. For these reasons, this variant has been classified as Pathogenic.

NM_138694.4(PKHD1):c.11821C>T (p.Gln3941Ter)

Gene: PKHD1 (PKHD1 ciliary IPT domain containing fibrocystin/polyductin; minus strand). Cytogenetic location: 6p12.3.
Variant type: single nucleotide variant.
Coding change: c.11821C>T on transcript NM_138694.4 (MANE Select); coding-DNA position 11821, C replaced by T.
Protein change: p.Gln3941Ter; replaces glutamine 3941 with a stop codon.
Molecular consequence: nonsense.
Genome position (GRCh38, 1-based): chr6:51,619,485, G>A on the plus strand (C>T on the coding strand, the complement: PKHD1 is on the minus strand). VCF-style: chr6-51619485-G-A. GRCh37 (hg19) VCF-style: chr6-51484283-G-A.
Other names: short protein forms Q3941*.
Identifiers: ClinVar variation 2754569 (VCV002754569.3), dbSNP rs764216969, ClinGen allele CA364417468.
Genomic context (GRCh38, chr6:51,619,485, plus strand): 5'-GGACAATGTGGCGGCTAACTTTCCTTCTGGACACTCCATTCATCAACTGGTGGGGGCACT[G>A]GTTCACCTTGCCCAGCATGACCTTCATTCTCATATCTGGGGGGAAAAGAAATAGGGGAAG-3'